The following is an entry in ClinVar:

ClinVar aggregate classification (germline): Uncertain significance (1 of 4 stars; one submission).

Conditions:
Intellectual disability, CASK-related, X-linked. Identifiers: MedGen CN043158.

Submission:

Labcorp Genetics (formerly Invitae), Labcorp
Classification: Uncertain significance for Intellectual disability, CASK-related, X-linked. Last evaluated: 2022-06-05. Review status: criteria provided, single submitter. Criteria: Invitae Variant Classification Sherloc (09022015). Collection method: clinical testing. Allele origin: germline.
Comment: In summary, the available evidence is currently insufficient to determine the role of this variant in disease. Therefore, it has been classified as a Variant of Uncertain Significance. Variants that disrupt the consensus splice site are a relatively common cause of aberrant splicing (PMID: 17576681, 9536098). Algorithms developed to predict the effect of sequence changes on RNA splicing suggest that this variant is not likely to affect RNA splicing. ClinVar contains an entry for this variant (Variation ID: 1515411). This variant has not been reported in the literature in individuals affected with CASK-related conditions. This variant is not present in population databases (gnomAD no frequency). This sequence change falls in intron 26 of the CASK gene. It does not directly change the encoded amino acid sequence of the CASK protein. It affects a nucleotide within the consensus splice site.

Literature cited by the submitters: PubMed 17576681; PubMed 9536098.

NM_001367721.1(CASK):c.2604+3A>G

Gene: CASK (calcium/calmodulin dependent serine protein kinase; minus strand). Cytogenetic location: Xp11.4.
Variant type: single nucleotide variant.
Coding change: c.2604+3A>G on transcript NM_001367721.1 (MANE Select); 3 bases into the intron after coding-DNA position 2604, A replaced by G.
Molecular consequence: intron variant.
Genome position (GRCh38, 1-based): chrX:41,523,948, T>C on the plus strand (A>G on the coding strand, the complement: CASK is on the minus strand). VCF-style: chrX-41523948-T-C. GRCh37 (hg19) VCF-style: chrX-41383201-T-C.
Other names: c.2517+3A>G (NM_001126055.3); c.2586+3A>G (NM_001410745.1); c.2520+3A>G (NM_001126054.3); c.2589+3A>G (NM_003688.4).
Identifiers: ClinVar variation 1515411 (VCV001515411.6), dbSNP rs2147067529, ClinGen allele CA2573158858.